The following is an entry in ClinVar:

ClinVar aggregate classification (germline): Uncertain significance (1 of 4 stars; one submission).

Conditions:
Hereditary nonpolyposis colorectal neoplasms. Identifiers: MedGen C0009405, MeSH D003123.

Submission:

Labcorp Genetics (formerly Invitae), Labcorp
Classification: Uncertain significance for Hereditary nonpolyposis colorectal neoplasms. Last evaluated: 2021-02-12. Review status: criteria provided, single submitter. Criteria: Invitae Variant Classification Sherloc (09022015). Collection method: clinical testing. Allele origin: germline.
Comment: The genomic region that is duplicated in this individual is unknown. It could encompass exon 15 of the PMS2 gene or exon 6 of the PMS2CL pseudogene. The position of the duplicated region in the genome also cannot be determined from these data. Until the location of this duplication can be resolved, the clinical significance of this event remains uncertain. It has been classified as a Variant of Uncertain Significance.

NC_000007.13:g.(?_6013030)_(6013183_?)dup

Gene: PMS2 (PMS1 homolog 2, mismatch repair system component; minus strand). Cytogenetic location: 7p22.1.
Variant type: Duplication.
Identifiers: ClinVar variation 1060937 (VCV001060937.2).